The following is an entry in ClinVar:

ClinVar aggregate classification (germline): Uncertain significance (1 of 4 stars; one submission).

Submission:

GeneDx
Classification: Uncertain significance. Last evaluated: 2024-08-20. Review status: criteria provided, single submitter. Criteria: GeneDx Variant Classification Process June 2021. Collection method: clinical testing. Allele origin: germline. Affected: yes.
Comment: Not observed at significant frequency in large population cohorts (gnomAD); In silico analysis supports that this missense variant has a deleterious effect on protein structure/function; Has not been previously published as pathogenic or benign to our knowledge

NM_001039591.3(USP9X):c.6928A>T (p.Asn2310Tyr)

Gene: USP9X (ubiquitin specific peptidase 9 X-linked; plus strand). Cytogenetic location: Xp11.4.
Variant type: single nucleotide variant.
Coding change: c.6928A>T on transcript NM_001039591.3 (MANE Select); coding-DNA position 6928, A replaced by T.
Protein change: p.Asn2310Tyr; replaces asparagine 2310 with tyrosine.
Molecular consequence: missense variant.
Genome position (GRCh38, 1-based): chrX:41,224,918, A>T. VCF-style: chrX-41224918-A-T. GRCh37 (hg19) VCF-style: chrX-41084171-A-T.
Other names: c.6928A>T, p.Asn2310Tyr (NM_001039590.3); c.6943A>T, p.Asn2315Tyr (NM_001410748.1, NM_001410749.1); short protein forms N2310Y, N2315Y.
Identifiers: ClinVar variation 3764209 (VCV003764209.1).